The following is an entry in ClinVar:

ClinVar aggregate classification (germline): Uncertain significance (1 of 4 stars; one submission).

Conditions:
Inborn genetic diseases. Identifiers: MedGen C0950123, MeSH D030342.

gnomAD v4.1: 3 of 1,614,112 alleles (0.00019%); highest among the groups gnomAD compares: Non-Finnish European, 0.00025%; no homozygotes.

Submission:

Ambry Genetics
Classification: Uncertain significance for Inborn genetic diseases. Last evaluated: 2025-01-28. Review status: criteria provided, single submitter. Criteria: Ambry Variant Classification Scheme 2023. Collection method: clinical testing. Allele origin: germline.
Comment: The p.T718A variant (also known as c.2152A>G), located in coding exon 12 of the BMPR2 gene, results from an A to G substitution at nucleotide position 2152. The threonine at codon 718 is replaced by alanine, an amino acid with similar properties. This amino acid position is conserved. In addition, this alteration is predicted to be tolerated by in silico analysis. Based on the available evidence, the clinical significance of this variant remains unclear.

NM_001204.7(BMPR2):c.2152A>G (p.Thr718Ala)

Gene: BMPR2 (bone morphogenetic protein receptor type 2; plus strand). Cytogenetic location: 2q33.2.
Variant type: single nucleotide variant.
Coding change: c.2152A>G on transcript NM_001204.7 (MANE Select); coding-DNA position 2152, A replaced by G.
Protein change: p.Thr718Ala; replaces threonine 718 with alanine.
Molecular consequence: missense variant.
Genome position (GRCh38, 1-based): chr2:202,555,817, A>G. VCF-style: chr2-202555817-A-G. GRCh37 (hg19) VCF-style: chr2-203420540-A-G.
Other names: short protein forms T718A.
Identifiers: ClinVar variation 3824863 (VCV003824863.1).